The following is an entry in ClinVar:

NM_001042492.3(NF1):c.2207del (p.Asn736fs)

Gene: NF1 (neurofibromin 1; plus strand). Cytogenetic location: 17q11.2.
Variant type: Deletion.
Coding change: c.2207del on transcript NM_001042492.3 (MANE Select); coding-DNA position 2207, one base deleted (A; older notation c.2207delA).
Protein change: p.Asn736fs; shifts the reading frame from asparagine 736.
Molecular consequence: frameshift variant.
Genome position (GRCh38, 1-based): chr17:31,226,640, A deleted; the last of 2 consecutive A bases (chr17:31,226,639-31,226,640); deleting either gives the same sequence. VCF-style (leftmost placement, unchanged base first): chr17-31226638-TA-T. GRCh37 (hg19) VCF-style: chr17-29553656-TA-T.
Other names: c.2207delA, p.Asn736Thrfs (NM_000267.4); c.2207delA (NM_000267.3); short protein forms N736fs.
Identifiers: ClinVar variation 817311 (VCV000817311.2), dbSNP rs1597712699, ClinGen allele CA915949740.

ClinVar aggregate classification (germline): Pathogenic (1 of 4 stars; one submission).

Submission:

GeneDx
Classification: Pathogenic. Last evaluated: 2024-10-22. Review status: criteria provided, single submitter. Criteria: GeneDx Variant Classification Process June 2021. Collection method: clinical testing. Allele origin: germline. Affected: yes.
Comment: Frameshift variant predicted to result in protein truncation or nonsense mediated decay in a gene for which loss of function is a known mechanism of disease; Not observed at significant frequency in large population cohorts (gnomAD); Has not been previously published as pathogenic or benign to our knowledge